The following is an entry in ClinVar:

ClinVar aggregate classification (germline): Uncertain significance. Review status: criteria provided, multiple submitters, no conflicts (2 of 4 stars). 2 submissions from 2 submitters: Uncertain significance (2). Last evaluated 2025-08-12.

Conditions:
Hereditary cancer-predisposing syndrome. Also called: Hereditary neoplastic syndrome; Neoplastic Syndromes, Hereditary; Tumor predisposition; Hereditary Cancer Syndrome. Identifiers: Orphanet 140162, MedGen C0027672, MeSH D009386, MONDO:0015356.
Familial meningioma. Also called: Meningioma, familial, susceptibility to. Identifiers: Orphanet 263662, MedGen C3551915, MONDO:0011789, OMIM 607174.

Allele frequency attached by ClinVar (database versions not stated): gnomAD exomes below 0.00001 and 0.00001; TOPMed below 0.00001; ExAC 0.00001.

Submissions (2):

Ambry Genetics
Classification: Uncertain significance for Hereditary cancer-predisposing syndrome. Last evaluated: 2025-08-12. Review status: criteria provided, single submitter. Criteria: Ambry Variant Classification Scheme 2023. Collection method: clinical testing. Allele origin: germline.
Comment: The c.987C>T variant (also known as p.G329G), located in coding exon 9 of the SMARCE1 gene, results from a C to T substitution at nucleotide position 987. This nucleotide substitution does not change the amino acid at codon 329. This nucleotide position is well conserved in available vertebrate species. In silico splice site analysis predicts that this alteration will result in the creation or strengthening of a novel splice donor site. RNA studies have demonstrated that this alteration results in a transcript predicted to lead to a protein with an in-frame deletion of 14 amino acids; however, the exact functional impact of the deleted amino acids is unknown at this time (Ambry internal data). Since supporting evidence is limited at this time, the clinical significance of this alteration remains unclear.

Labcorp Genetics (formerly Invitae), Labcorp
Classification: Uncertain significance for Familial meningioma. Last evaluated: 2022-10-10. Review status: criteria provided, single submitter. Criteria: Invitae Variant Classification Sherloc (09022015). Collection method: clinical testing. Allele origin: germline.
Comment: In summary, the available evidence is currently insufficient to determine the role of this variant in disease. Therefore, it has been classified as a Variant of Uncertain Significance. Studies have shown that this variant results in the activation of a cryptic splice site in exon 10 (Invitae). ClinVar contains an entry for this variant (Variation ID: 1003088). This variant has not been reported in the literature in individuals affected with SMARCE1-related conditions. This variant is present in population databases (rs779268474, gnomAD 0.003%). This sequence change affects codon 329 of the SMARCE1 mRNA. It is a 'silent' change, meaning that it does not change the encoded amino acid sequence of the SMARCE1 protein. RNA analysis indicates that this variant induces altered splicing and likely results in the loss of 13 amino acid residue(s), but is expected to preserve the integrity of the reading-frame.

NM_003079.5(SMARCE1):c.987C>T (p.Gly329=)

Gene: SMARCE1 (SWI/SNF related BAF chromatin remodeling complex subunit E1; minus strand). Cytogenetic location: 17q21.2.
Variant type: single nucleotide variant.
Coding change: c.987C>T on transcript NM_003079.5 (MANE Select); coding-DNA position 987, C replaced by T.
Protein change: p.Gly329=; no amino-acid change (glycine 329 retained).
Molecular consequence: synonymous variant.
Genome position (GRCh38, 1-based): chr17:40,630,754, G>A on the plus strand (C>T on the coding strand, the complement: SMARCE1 is on the minus strand). VCF-style: chr17-40630754-G-A. GRCh37 (hg19) VCF-style: chr17-38787006-G-A.
Identifiers: ClinVar variation 1003088 (VCV001003088.13), dbSNP rs779268474, ClinGen allele CA8545126.